The following is an entry in ClinVar:

NM_001692.4(ATP6V1B1):c.604C>T (p.Arg202Cys)

Gene: ATP6V1B1 (ATPase H+ transporting V1 subunit B1; plus strand). Cytogenetic location: 2p13.3.
Variant type: single nucleotide variant.
Coding change: c.604C>T on transcript NM_001692.4 (MANE Select); coding-DNA position 604, C replaced by T.
Protein change: p.Arg202Cys; replaces arginine 202 with cysteine.
Molecular consequence: missense variant.
Genome position (GRCh38, 1-based): chr2:70,960,939, C>T. VCF-style: chr2-70960939-C-T. GRCh37 (hg19) VCF-style: chr2-71188069-C-T.
Other names: short protein forms R202C.
Identifiers: ClinVar variation 3354861 (VCV003354861.1).

ClinVar aggregate classification (germline): Uncertain significance (0 of 4 stars; one submission).

Conditions:
ATP6V1B1-related disorder. Also called: ATP6V1B1-related condition.

Submission:

PreventionGenetics, part of Exact Sciences
Classification: Uncertain significance for ATP6V1B1-related condition. Last evaluated: 2024-08-01. Review status: no assertion criteria provided. Collection method: clinical testing. Allele origin: germline.
Comment: The ATP6V1B1 c.604C>T variant is predicted to result in the amino acid substitution p.Arg202Cys. To our knowledge, this variant has not been reported in the literature. This variant is reported in 0.00092% of alleles in individuals of European (Non-Finnish) descent in gnomAD. At this time, the clinical significance of this variant is uncertain due to the absence of conclusive functional and genetic evidence.